The following is an entry in ClinVar:

ClinVar aggregate classification (germline): Uncertain significance (1 of 4 stars; one submission).

Conditions:
Focal segmental glomerulosclerosis 2 (FSGS2). Identifiers: Orphanet 656, MedGen C1858915, MONDO:0011390, OMIM 603965.

Submission:

Victorian Clinical Genetics Services, Murdoch Childrens Research Institute
Classification: Uncertain significance for Focal segmental glomerulosclerosis 2. Last evaluated: 2025-08-17. Review status: criteria provided, single submitter. Criteria: ACMG Guidelines, 2015. Collection method: clinical testing. Allele origin: germline. Affected: yes.
Comment: This variant is classified as VUS-3C. Evidence in support of pathogenic classification: Variant is predicted to cause nonsense-mediated decay (NMD) and loss of protein (premature termination codon is located at least 54 nucleotides upstream of the final exon-exon junction); Variant is present in gnomAD <0.001 for a dominant condition (v2: 1 heterozygote(s), 0 homozygote(s)). Additional information: This variant is heterozygous; This gene is associated with autosomal dominant disease; Alternative NMD-predicted are present in gnomAD (Highest allele count: v4: 18 heterozygote(s), 0 homozygote(s)). - This variant has no previous evidence of pathogenicity; No published evidence of segregation with disease has been identified for this variant; No published functional evidence has been identified for this variant; Other NMD-predicted variant(s) comparable to the one identified in this case have conflicting previous evidence for pathogenicity. There are numerous likely pathogenic/pathogenic and VUS submissions in ClinVar with limited evidence supporting their classification. p.(Val691Lysfs*) has been reported in the literature in five family members without focal segmental glomerulosclerosis (PMID: 37615749). p.(His550Glnfs*10) was reported in an additional proband in the literature who also did not present with a phenotype (PMID: 26046366). - Gain of function is a known mechanism of disease in this gene and is associated with glomerulosclerosis, focal segmental, 2 (MIM#603965). Reported variants are associated with current amplitude amplification and/or delay of the channel inactivation (PMID: 15879175, 32509715, 31266820); Inheritance information for this variant is not currently available in this individual.

Literature cited by the submitters: PubMed 15879175; PubMed 37615749; PubMed 31266820; PubMed 32509715; PubMed 26046366.

NM_004621.6(TRPC6):c.2485del

Gene: TRPC6 (transient receptor potential cation channel subfamily C member 6; minus strand). Cytogenetic location: 11q22.1.
Variant type: Deletion.
Coding change: c.2485del on transcript NM_004621.6 (MANE Select); coding-DNA position 2485, one base deleted (G; older notation c.2485delG).
Molecular consequence: splice acceptor variant.
Genome position (GRCh38, 1-based): chr11:101,455,101, C deleted on the plus strand (G on the coding strand, the reverse complement: TRPC6 is on the minus strand); the first of 2 consecutive C bases (chr11:101,455,101-101,455,102); deleting either gives the same sequence. VCF-style (leftmost placement, unchanged base first): chr11-101455100-AC-A. GRCh37 (hg19) VCF-style: chr11-101325831-AC-A.
Identifiers: ClinVar variation 4531661 (VCV004531661.1).